The following is an entry in ClinVar:

ClinVar aggregate classification (germline): Uncertain significance. Review status: criteria provided, multiple submitters, no conflicts (2 of 4 stars). 3 submissions from 3 submitters: Uncertain significance (3). Last evaluated 2024-02-25.

Conditions:
Generalized epilepsy-paroxysmal dyskinesia syndrome (PNKD3). Also called: Paroxysmal nonkinesigenic dyskinesia, 3, with or without generalized epilepsy; Generalized epilepsy and paroxysmal dyskinesia. Identifiers: Orphanet 79137, MedGen C5574945, MONDO:0012276, OMIM 609446.

gnomAD v4.1: 9 of 1,614,138 alleles (0.00056%); highest among the groups gnomAD compares: Non-Finnish European, 0.00076%; no homozygotes.

Submissions (3):

GeneDx
Classification: Uncertain significance. Last evaluated: 2024-02-25. Review status: criteria provided, single submitter. Criteria: GeneDx Variant Classification Process June 2021. Collection method: clinical testing. Allele origin: germline. Affected: yes.
Comment: Not observed at significant frequency in large population cohorts (gnomAD); In silico analysis supports that this missense variant does not alter protein structure/function; Has not been previously published as pathogenic or benign to our knowledge

Revvity Omics, Revvity
Classification: Uncertain significance. Last evaluated: 2023-11-06. Review status: criteria provided, single submitter. Criteria: ACMG Guidelines, 2015. Collection method: clinical testing. Allele origin: germline.

Labcorp Genetics (formerly Invitae), Labcorp
Classification: Uncertain significance for Generalized epilepsy-paroxysmal dyskinesia syndrome. Last evaluated: 2023-09-20. Review status: criteria provided, single submitter. Criteria: Invitae Variant Classification Sherloc (09022015). Collection method: clinical testing. Allele origin: germline.
Comment: This sequence change replaces asparagine, which is neutral and polar, with lysine, which is basic and polar, at codon 132 of the KCNMA1 protein (p.Asn132Lys). In summary, the available evidence is currently insufficient to determine the role of this variant in disease. Therefore, it has been classified as a Variant of Uncertain Significance. An algorithm developed to predict the effect of missense changes on protein structure and function (PolyPhen-2) suggests that this variant is likely to be tolerated. ClinVar contains an entry for this variant (Variation ID: 1949806). This variant has not been reported in the literature in individuals affected with KCNMA1-related conditions. This variant is present in population databases (rs202058158, gnomAD 0.0009%).

NM_001161352.2(KCNMA1):c.396C>A (p.Asn132Lys)

Gene: KCNMA1 (potassium calcium-activated channel subfamily M alpha 1; minus strand). Cytogenetic location: 10q22.3.
Variant type: single nucleotide variant.
Coding change: c.396C>A on transcript NM_001161352.2 (MANE Select); coding-DNA position 396, C replaced by A.
Protein change: p.Asn132Lys; replaces asparagine 132 with lysine.
Molecular consequence: missense variant. On other transcripts: intron variant (1).
Genome position (GRCh38, 1-based): chr10:77,404,006, G>T on the plus strand (C>A on the coding strand, the complement: KCNMA1 is on the minus strand). VCF-style: chr10-77404006-G-T. GRCh37 (hg19) VCF-style: chr10-79163764-G-T.
Other names: c.396C>A, p.Asn132Lys (NM_001014797.3, NM_001161353.2, NM_001271519.2 and 8 more transcripts); c.379-152750C>A (NM_001271518.2); c.396C>A (NM_002247.3); short protein forms N132K.
Identifiers: ClinVar variation 1949806 (VCV001949806.7), dbSNP rs202058158, ClinGen allele CA210133342.